The following is an entry in ClinVar:

NM_001171613.2(PREPL):c.1264G>A (p.Gly422Ser)

Gene: PREPL (prolyl endopeptidase like; minus strand). Cytogenetic location: 2p21.
Variant type: single nucleotide variant.
Coding change: c.1264G>A on transcript NM_001171613.2 (MANE Select); coding-DNA position 1264, G replaced by A.
Protein change: p.Gly422Ser; replaces glycine 422 with serine.
Molecular consequence: missense variant.
Genome position (GRCh38, 1-based): chr2:44,326,927, C>T on the plus strand (G>A on the coding strand, the complement: PREPL is on the minus strand). VCF-style: chr2-44326927-C-T. GRCh37 (hg19) VCF-style: chr2-44554066-C-T.
Other names: c.1345G>A, p.Gly449Ser (NM_001042385.2); c.1333G>A, p.Gly445Ser (NM_001042386.2); c.1531G>A, p.Gly511Ser (NM_001171603.1, NM_001171606.2, NM_001374275.1 and 2 more transcripts); c.1264G>A, p.Gly422Ser (NM_001171617.1, NM_001374277.1); short protein forms G445S, G422S, G449S, G511S.
Identifiers: ClinVar variation 1363320 (VCV001363320.7), dbSNP rs1470419476, ClinGen allele CA346689814.

ClinVar aggregate classification (germline): Uncertain significance. Review status: criteria provided, multiple submitters, no conflicts (2 of 4 stars). 2 submissions from 2 submitters: Uncertain significance (2). Last evaluated 2024-01-09.

Conditions:
Myasthenic syndrome, congenital, 22 (CMS22). Also called: PREPL DEFICIENCY. Identifiers: MedGen C4479088, MONDO:0044299, OMIM 616224.
Inborn genetic diseases. Identifiers: MedGen C0950123, MeSH D030342.

Allele frequency attached by ClinVar (database versions not stated): TOPMed below 0.00001; gnomAD exomes 0.00001.
gnomAD v4.1: 7 of 1,613,864 alleles (0.00043%); highest among the groups gnomAD compares: Non-Finnish European, 0.00059%; no homozygotes.

Submissions (2):

Ambry Genetics
Classification: Uncertain significance for Inborn genetic diseases. Last evaluated: 2024-01-09. Review status: criteria provided, single submitter. Criteria: Ambry Variant Classification Scheme 2023. Collection method: clinical testing. Allele origin: germline.

Labcorp Genetics (formerly Invitae), Labcorp
Classification: Uncertain significance for Myasthenic syndrome, congenital, 22. Last evaluated: 2021-08-21. Review status: criteria provided, single submitter. Criteria: Invitae Variant Classification Sherloc (09022015). Collection method: clinical testing. Allele origin: germline.
Comment: This sequence change replaces glycine with serine at codon 511 of the PREPL protein (p.Gly511Ser). The glycine residue is highly conserved and there is a small physicochemical difference between glycine and serine. This variant is not present in population databases (ExAC no frequency). This variant has not been reported in the literature in individuals affected with PREPL-related conditions. Algorithms developed to predict the effect of missense changes on protein structure and function are either unavailable or do not agree on the potential impact of this missense change (SIFT: "Deleterious"; PolyPhen-2: "Probably Damaging"; Align-GVGD: "Class C0"). In summary, the available evidence is currently insufficient to determine the role of this variant in disease. Therefore, it has been classified as a Variant of Uncertain Significance.